The following is an entry in ClinVar:

NM_003873.7(NRP1):c.2511A>C (p.Gly837=)

Gene: NRP1 (neuropilin 1; minus strand). Cytogenetic location: 10p11.22.
Variant type: single nucleotide variant.
Coding change: c.2511A>C on transcript NM_003873.7 (MANE Select); coding-DNA position 2511, A replaced by C.
Protein change: p.Gly837=; no amino-acid change (glycine 837 retained).
Molecular consequence: synonymous variant. On other transcripts: non-coding transcript variant (1).
Genome position (GRCh38, 1-based): chr10:33,180,337, T>G on the plus strand (A>C on the coding strand, the complement: NRP1 is on the minus strand). VCF-style: chr10-33180337-T-G. GRCh37 (hg19) VCF-style: chr10-33469265-T-G.
Other names: c.2493A>C, p.Gly831= (NM_001244972.2); c.2490A>C, p.Gly830= (NM_001244973.2); c.2460A>C, p.Gly820= (NM_001330068.2).
Identifiers: ClinVar variation 3353368 (VCV003353368.1).

ClinVar aggregate classification (germline): Likely benign (0 of 4 stars; one submission).

Conditions:
NRP1-related disorder. Also called: NRP1-related condition.

Submission:

PreventionGenetics, part of Exact Sciences
Classification: Likely benign for NRP1-related condition. Last evaluated: 2022-07-20. Review status: no assertion criteria provided. Collection method: clinical testing. Allele origin: germline.
Comment: This variant is classified as likely benign based on ACMG/AMP sequence variant interpretation guidelines (Richards et al. 2015 PMID: 25741868, with internal and published modifications).